The following is an entry in ClinVar:

ClinVar aggregate classification (germline): Uncertain significance (1 of 4 stars; one submission).

Allele frequency attached by ClinVar (database versions not stated): gnomAD exomes 0.00001.

Submission:

Labcorp Genetics (formerly Invitae), Labcorp
Classification: Uncertain significance. Last evaluated: 2024-10-07. Review status: criteria provided, single submitter. Criteria: Invitae Variant Classification Sherloc (09022015). Collection method: clinical testing. Allele origin: germline.
Comment: This sequence change replaces methionine, which is neutral and non-polar, with isoleucine, which is neutral and non-polar, at codon 875 of the SON protein (p.Met875Ile). This variant is not present in population databases (gnomAD no frequency). This variant has not been reported in the literature in individuals affected with SON-related conditions. An algorithm developed to predict the effect of missense changes on protein structure and function (PolyPhen-2) suggests that this variant is likely to be disruptive. In summary, the available evidence is currently insufficient to determine the role of this variant in disease. Therefore, it has been classified as a Variant of Uncertain Significance.

NM_138927.4(SON):c.2625G>A (p.Met875Ile)

Gene: SON (SON DNA and RNA binding protein; plus strand). Cytogenetic location: 21q22.11.
Variant type: single nucleotide variant.
Coding change: c.2625G>A on transcript NM_138927.4 (MANE Select); coding-DNA position 2625, G replaced by A.
Protein change: p.Met875Ile; replaces methionine 875 with isoleucine.
Molecular consequence: missense variant. On other transcripts: non-coding transcript variant (1), intron variant (1).
Genome position (GRCh38, 1-based): chr21:33,551,856, G>A. VCF-style: chr21-33551856-G-A. GRCh37 (hg19) VCF-style: chr21-34924162-G-A.
Other names: c.2625G>A, p.Met875Ile (NM_001291411.2, NM_001412133.1, NM_032195.3 and 2 more transcripts); c.245-5300G>A (NM_001291412.3); short protein forms M875I.
Identifiers: ClinVar variation 2875322 (VCV002875322.3), dbSNP rs956730601, ClinGen allele CA320150670.